The following is an entry in ClinVar:

ClinVar aggregate classification (germline): Uncertain significance (1 of 4 stars; one submission).

gnomAD v4.1: 1 of 1,613,930 alleles (0.000062%); highest among the groups gnomAD compares: Non-Finnish European, 0.000085%; no homozygotes.

Submission:

Ambry Genetics
Classification: Uncertain significance. Last evaluated: 2025-02-18. Review status: criteria provided, single submitter. Criteria: Ambry Variant Classification Scheme 2023. Collection method: clinical testing. Allele origin: germline.
Comment: The p.K25T variant (also known as c.74A>C), located in coding exon 1 of the KIF1B gene, results from an A to C substitution at nucleotide position 74. The lysine at codon 25 is replaced by threonine, an amino acid with similar properties. This amino acid position is conserved. In addition, the in silico prediction for this alteration is inconclusive. Based on the available evidence, the clinical significance of this variant remains unclear.

NM_001365951.3(KIF1B):c.74A>C (p.Lys25Thr)

Genes: KIF1B (kinesin family member 1B; plus strand), LOC129388446 (MPRA-validated peak64 silencer; plus strand). Cytogenetic location: 1p36.22.
Variant type: single nucleotide variant.
Coding change: c.74A>C on transcript NM_001365951.3 (MANE Select); coding-DNA position 74, A replaced by C.
Protein change: p.Lys25Thr; replaces lysine 25 with threonine.
Molecular consequence: missense variant.
Genome position (GRCh38, 1-based): chr1:10,232,402, A>C. VCF-style: chr1-10232402-A-C. GRCh37 (hg19) VCF-style: chr1-10292460-A-C.
Other names: c.74A>C, p.Lys25Thr (NM_001365952.1, NM_001365953.1, NM_015074.3 and 1 more transcripts); short protein forms K25T.
Identifiers: ClinVar variation 3864101 (VCV003864101.1).